The following is an entry in ClinVar:

ClinVar aggregate classification (germline): Pathogenic (1 of 4 stars; one submission).

Conditions:
Mitochondrial DNA depletion syndrome, encephalomyopathic form with methylmalonic aciduria (MTDPS5). Also called: MITOCHONDRIAL DNA DEPLETION SYNDROME, ENCEPHALOMYOPATHIC FORM, WITH OR WITHOUT METHYLMALONIC ACIDURIA, AUTOSOMAL RECESSIVE, SUCLA2-RELATED; Mitochondrial DNA depletion syndrome 5 (encephalomyopathic with or without methylmalonic aciduria); SUCLA2-Related Mitochondrial DNA Depletion Syndrome, Encephalomyopathic Form with Methylmalonic Aciduria; Mitochondrial encephalomyopathy aminoacidopathy. Identifiers: Orphanet 1933, MedGen C5980207, MONDO:0012791, OMIM 612073.

Submission:

Labcorp Genetics (formerly Invitae), Labcorp
Classification: Pathogenic for Mitochondrial DNA depletion syndrome, encephalomyopathic form with methylmalonic aciduria. Last evaluated: 2025-03-25. Review status: criteria provided, single submitter. Criteria: Invitae Variant Classification Sherloc (09022015). Collection method: clinical testing. Allele origin: germline.
Comment: This sequence change creates a premature translational stop signal (p.Asp414*) in the SUCLA2 gene. It is expected to result in an absent or disrupted protein product. Loss-of-function variants in SUCLA2 are known to be pathogenic (PMID: 15877282, 17301081). This variant is not present in population databases (gnomAD no frequency). This variant has not been reported in the literature in individuals affected with SUCLA2-related conditions. For these reasons, this variant has been classified as Pathogenic.

Literature cited by the submitters: PubMed 15877282; PubMed 17301081.

NM_003850.3(SUCLA2):c.1240_1241del (p.Val413_Asp414insTer)

Gene: SUCLA2 (succinate-CoA ligase ADP-forming subunit beta; minus strand). Cytogenetic location: 13q14.2.
Variant type: Deletion.
Coding change: c.1240_1241del on transcript NM_003850.3 (MANE Select); coding-DNA positions 1240 to 1241, 2 bases deleted (GA; older notation c.1240_1241delGA).
Protein change: p.Val413_Asp414insTer.
Molecular consequence: nonsense.
Genome position (GRCh38, 1-based): chr13:47,949,016-47,949,017, TC deleted on the plus strand (GA on the coding strand, the reverse complement: SUCLA2 is on the minus strand). VCF-style (leftmost placement, unchanged base first): chr13-47949015-ATC-A. GRCh37 (hg19) VCF-style: chr13-48523150-ATC-A.
Identifiers: ClinVar variation 4761338 (VCV004761338.1).
Genomic context (GRCh38, chr13:47,949,015, plus strand): 5'-ATCCAAGTCATCACAAGCAAGTATTTTAAGTCCACTGTCCGCTATCAGTGCCTTAGCATC[ATC>A]GACTCGTGTACCTGTAAATGATTTATGCAAATATAAATGTTTTAAATACACACACAAAAG-3'